The following is an entry in ClinVar:

ClinVar aggregate classification (germline): Benign. Review status: criteria provided, single submitter (1 of 4 stars). 2 submissions from 1 submitter: Benign (1). 1 of the submissions does not count toward it. Last evaluated 2016-11-18.

Submissions (2):

GeneDx
Classification: Benign. Last evaluated: 2016-11-18. Review status: criteria provided, single submitter. Criteria: GeneDx Variant Classification Process June 2021. Collection method: clinical testing. Allele origin: germline. Affected: yes.

GeneDx
Classification: Benign. Last evaluated: 2016-08-26. Review status: flagged submission. Criteria: GeneDx Variant Classification (06012015). Collection method: clinical testing. Allele origin: germline. Affected: yes. Not counted in ClinVar's aggregate classification.
Comment: This variant is considered likely benign or benign based on one or more of the following criteria: it is a conservative change, it occurs at a poorly conserved position in the protein, it is predicted to be benign by multiple in silico algorithms, and/or has population frequency not consistent with disease.
ClinVar note: Reason: This record appears to be redundant with a more recent record from the same submitter.
ClinVar note: Notes: SCV000568093 appears to be redundant with SCV001872588.

NM_014846.4(WASHC5):c.711+24_711+33del

Gene: WASHC5 (WASH complex subunit 5; minus strand). Cytogenetic location: 8q24.13.
Variant type: Microsatellite.
Coding change: c.711+24_711+33del on transcript NM_014846.4 (MANE Select); bases 24 to 33 of the intron after coding-DNA position 711, 10 bases deleted (CTATTAAGAC; older notation c.711+24_711+33delCTATTAAGAC).
Molecular consequence: intron variant.
Genome position (GRCh38, 1-based): chr8:125,078,705-125,078,714, GTCTTAATAG deleted on the plus strand (CTATTAAGAC on the coding strand, the reverse complement: WASHC5 is on the minus strand); deleting any 10 consecutive bases within chr8:125,078,705-125,078,724 gives the same sequence; the c. name uses the placement nearest the transcript's 3' end. VCF-style (leftmost placement, unchanged base first): chr8-125078704-TGTCTTAATAG-T. GRCh37 (hg19) VCF-style: chr8-126090946-TGTCTTAATAG-T.
Other names: c.267+24_267+33del (NM_001330609.2); c.711+24_711+33delCTATTAAGAC (NM_014846.3).
Identifiers: ClinVar variation 419902 (VCV000419902.3), dbSNP rs11278975, ClinGen allele CA4874042.